The following is an entry in ClinVar:

ClinVar aggregate classification (germline): Uncertain significance (1 of 4 stars; one submission).

Submission:

GeneDx
Classification: Uncertain significance. Last evaluated: 2022-01-20. Review status: criteria provided, single submitter. Criteria: GeneDx Variant Classification Process June 2021. Collection method: clinical testing. Allele origin: germline. Affected: yes.
Comment: Not observed at significant frequency in large population cohorts (gnomAD); In silico analysis supports that this missense variant does not alter protein structure/function; Has not been previously published as pathogenic or benign to our knowledge

NM_001242896.3(DEPDC5):c.279G>C (p.Lys93Asn)

Gene: DEPDC5 (DEP domain containing 5, GATOR1 subcomplex subunit; plus strand). Cytogenetic location: 22q12.2.
Variant type: single nucleotide variant.
Coding change: c.279G>C on transcript NM_001242896.3 (MANE Select); coding-DNA position 279, G replaced by C.
Protein change: p.Lys93Asn; replaces lysine 93 with asparagine.
Molecular consequence: missense variant. On other transcripts: non-coding transcript variant (5).
Genome position (GRCh38, 1-based): chr22:31,765,060, G>C. VCF-style: chr22-31765060-G-C. GRCh37 (hg19) VCF-style: chr22-32161046-G-C.
Other names: c.279G>C, p.Lys93Asn (NM_001007188.4, NM_001136029.4, NM_001242897.2 and 9 more transcripts); short protein forms K93N.
Identifiers: ClinVar variation 1698147 (VCV001698147.2), dbSNP rs2148104453, ClinGen allele CA411282024.